The following is an entry in ClinVar:

ClinVar aggregate classification (germline): Likely pathogenic, low penetrance (1 of 4 stars; one submission).

Conditions:
Atypical hemolytic-uremic syndrome. Identifiers: Orphanet 2134, MedGen C2931788, MONDO:0016244.

Submission:

Genomenon, Inc
Classification: Likely pathogenic, low penetrance for Atypical hemolytic-uremic syndrome. Last evaluated: 2025-10-02. Review status: criteria provided, single submitter. Criteria: Genomenon Sequence Variant Interpretation Standards - Updated. Collection method: curation. Allele origin: germline. Affected: yes.
Comment: CFH p.Cys623Ser (c.1868G>C) is a missense variant that changes the amino acid at residue 623 from Cysteine to Serine. This variant has been observed in at least one proband affected with atypical hemolytic-uremic syndrome (PMID:27799617;20305136). The variant was found to segregate with disease in at least one affected family (PMID:20305136). It is absent or not present at a significant frequency in gnomAD. In silico models agree that this variant is possibly or probably damaging. In conclusion, we classify CFH p.Cys623Ser (c.1868G>C) as a likely pathogenic, low penetrance variant.

Literature cited by the submitters: PubMed 30890598; PubMed 20305136; PubMed 27799617; PubMed 25188723; PubMed 29686068; PubMed 30110670; PubMed 24419569.

NM_000186.4(CFH):c.1868G>C (p.Cys623Ser)

Gene: CFH (complement factor H; plus strand). Cytogenetic location: 1q31.3.
Variant type: single nucleotide variant.
Coding change: c.1868G>C on transcript NM_000186.4 (MANE Select); coding-DNA position 1868, G replaced by C.
Protein change: p.Cys623Ser; replaces cysteine 623 with serine.
Molecular consequence: missense variant.
Genome position (GRCh38, 1-based): chr1:196,725,292, G>C. VCF-style: chr1-196725292-G-C. GRCh37 (hg19) VCF-style: chr1-196694422-G-C.
Other names: short protein forms C623S.
Identifiers: ClinVar variation 4291658 (VCV004291658.2).